The following is an entry in ClinVar:

ClinVar aggregate classification (germline): Uncertain significance (1 of 4 stars; one submission).

Conditions:
Walker-Warburg congenital muscular dystrophy. Also called: Muscular dystrophy-dystroglycanopathy, type A; Walker-Warburg syndrome. Identifiers: Orphanet 899, MedGen C0265221, MONDO:0000171.

Submission:

Labcorp Genetics (formerly Invitae), Labcorp
Classification: Uncertain significance for Walker-Warburg congenital muscular dystrophy. Last evaluated: 2024-10-22. Review status: criteria provided, single submitter. Criteria: Invitae Variant Classification Sherloc (09022015). Collection method: clinical testing. Allele origin: germline.
Comment: This sequence change replaces tyrosine, which is neutral and polar, with cysteine, which is neutral and slightly polar, at codon 327 of the FKTN protein (p.Tyr327Cys). This variant is present in population databases (rs767753943, gnomAD 0.0009%). This variant has not been reported in the literature in individuals affected with FKTN-related conditions. Invitae Evidence Modeling of protein sequence and biophysical properties (such as structural, functional, and spatial information, amino acid conservation, physicochemical variation, residue mobility, and thermodynamic stability) indicates that this missense variant is expected to disrupt FKTN protein function with a positive predictive value of 95%. In summary, the available evidence is currently insufficient to determine the role of this variant in disease. Therefore, it has been classified as a Variant of Uncertain Significance.

NM_001079802.2(FKTN):c.980A>G (p.Tyr327Cys)

Gene: FKTN (fukutin; plus strand). Cytogenetic location: 9q31.2.
Variant type: single nucleotide variant.
Coding change: c.980A>G on transcript NM_001079802.2 (MANE Select); coding-DNA position 980, A replaced by G.
Protein change: p.Tyr327Cys; replaces tyrosine 327 with cysteine.
Molecular consequence: missense variant. On other transcripts: non-coding transcript variant (1).
Genome position (GRCh38, 1-based): chr9:105,618,028, A>G. VCF-style: chr9-105618028-A-G. GRCh37 (hg19) VCF-style: chr9-108380309-A-G.
Other names: c.980A>G, p.Tyr327Cys (NM_001198963.2, NM_001351496.2, NM_001351498.2 and 1 more transcripts); c.911A>G, p.Tyr304Cys (NM_001351497.2); c.584A>G, p.Tyr195Cys (NM_001351499.2, NM_001351500.2, NM_001351501.2 and 1 more transcripts); short protein forms Y195C, Y327C, Y304C.
Identifiers: ClinVar variation 3689491 (VCV003689491.2).